The following is an entry in ClinVar:

ClinVar aggregate classification (germline): Pathogenic. Review status: criteria provided, multiple submitters, no conflicts (2 of 4 stars). 3 submissions from 3 submitters: Pathogenic (3). Last evaluated 2026-05-20.

Conditions:
Polycystic kidney disease 2 (PKD2). Also called: POLYCYSTIC KIDNEY DISEASE, ADULT, TYPE II; POLYCYSTIC KIDNEY DISEASE 2 WITH OR WITHOUT POLYCYSTIC LIVER DISEASE; Polycystic Kidney Disease 2, Autosomal Dominant. Identifiers: MedGen C2751306, MONDO:0013131, OMIM 613095.
PKD2-related disorder. Also called: PKD2-related condition.
Autosomal dominant polycystic kidney disease. Identifiers: Orphanet 730, MedGen C0085413, MONDO:0004691.

Submissions (3):

PreventionGenetics, part of Exact Sciences
Classification: Pathogenic for PKD2-related condition. Last evaluated: 2026-05-20. Review status: criteria provided, single submitter. Criteria: ACMG Guidelines, 2015. Collection method: clinical testing. Allele origin: germline.
Comment: The PKD2 c.1366C>T variant is predicted to result in premature protein termination (p.Gln456*). To our knowledge, this variant has not been reported in the literature or a large population database (gnomAD), indicating this variant is rare. Nonsense variants in PKD2 are expected to be pathogenic. This variant is interpreted as pathogenic.

Victorian Clinical Genetics Services, Murdoch Childrens Research Institute
Classification: Pathogenic for Polycystic kidney disease 2. Last evaluated: 2025-12-10. Review status: criteria provided, single submitter. Criteria: ACMG Guidelines, 2015. Collection method: clinical testing. Allele origin: germline. Affected: yes.
Comment: This variant is classified as Pathogenic. Evidence in support of pathogenic classification: Variant is predicted to cause nonsense-mediated decay (NMD) and loss of protein (premature termination codon is located at least 54 nucleotides upstream of the final exon-exon junction); Variant is absent from gnomAD (both v2 and v3); This variant has limited previous evidence of pathogenicity in unrelated individuals. This variant has been reported as pathogenic (ClinVar), and observed as a somatic variant in the cyst of an individual with polycystic kidney disease, who had another causative germline variant in the PKD2 gene (PMID: 30042192); Other NMD-predicted variants comparable to the one identified in this case have very strong previous evidence for pathogenicity (DECIPHER). Additional information: This variant is heterozygous; This gene is associated with autosomal dominant disease; No published segregation evidence has been identified for this variant; No published functional evidence has been identified for this variant; Loss of function is a known mechanism of disease in this gene and is associated with polycystic kidney disease 2 (MIM#613095); Inheritance information for this variant is not currently available in this individual.

Labcorp Genetics (formerly Invitae), Labcorp
Classification: Pathogenic for Autosomal dominant polycystic kidney disease. Last evaluated: 2021-06-06. Review status: criteria provided, single submitter. Criteria: Invitae Variant Classification Sherloc (09022015). Collection method: clinical testing. Allele origin: germline.
Comment: This sequence change creates a premature translational stop signal (p.Gln456*) in the PKD2 gene. It is expected to result in an absent or disrupted protein product. Loss-of-function variants in PKD2 are known to be pathogenic (PMID: 17582161, 22863349). This variant is not present in population databases (ExAC no frequency). This variant has not been reported in the literature in individuals with PKD2-related conditions. Algorithms developed to predict the effect of sequence changes on RNA splicing suggest that this variant may create or strengthen a splice site, but this prediction has not been confirmed by published transcriptional studies. For these reasons, this variant has been classified as Pathogenic.

Literature cited by the submitters: PubMed 30042192 (cited by Victorian Clinical Genetics Services, Murdoch Childrens Research Institute); PubMed 17582161 (cited by Labcorp Genetics (formerly Invitae), Labcorp); PubMed 22863349 (cited by Labcorp Genetics (formerly Invitae), Labcorp).

NM_000297.4(PKD2):c.1366C>T (p.Gln456Ter)

Gene: PKD2 (polycystin 2, transient receptor potential cation channel; plus strand). Cytogenetic location: 4q22.1.
Variant type: single nucleotide variant.
Coding change: c.1366C>T on transcript NM_000297.4 (MANE Select); coding-DNA position 1366, C replaced by T.
Protein change: p.Gln456Ter; replaces glutamine 456 with a stop codon.
Molecular consequence: nonsense. On other transcripts: non-coding transcript variant (1).
Genome position (GRCh38, 1-based): chr4:88,046,688, C>T. VCF-style: chr4-88046688-C-T. GRCh37 (hg19) VCF-style: chr4-88967840-C-T.
Other names: c.1366C>T (NM_000297.3); short protein forms Q456*.
Identifiers: ClinVar variation 1413894 (VCV001413894.8), dbSNP rs2110115819, ClinGen allele CA357618643.